The following is an entry in ClinVar:

NM_000275.3(OCA2):c.2158C>T (p.Arg720Cys)

Gene: OCA2 (OCA2 melanosomal transmembrane protein; minus strand). Cytogenetic location: 15q13.1.
Variant type: single nucleotide variant.
Coding change: c.2158C>T on transcript NM_000275.3 (MANE Select); coding-DNA position 2158, C replaced by T.
Protein change: p.Arg720Cys; replaces arginine 720 with cysteine.
Molecular consequence: missense variant.
Genome position (GRCh38, 1-based): chr15:27,871,240, G>A on the plus strand (C>T on the coding strand, the complement: OCA2 is on the minus strand). VCF-style: chr15-27871240-G-A. GRCh37 (hg19) VCF-style: chr15-28116386-G-A.
Other names: c.2158C>T (NM_000275.2); c.2086C>T, p.Arg696Cys (NM_001300984.2); short protein forms R696C, R720C.
Identifiers: ClinVar variation 2137627 (VCV002137627.11), dbSNP rs141545475, ClinGen allele CA7438721.

ClinVar aggregate classification (germline): Pathogenic/Likely pathogenic. Review status: criteria provided, multiple submitters, no conflicts (2 of 4 stars). 8 submissions from 8 submitters: Pathogenic (1); Likely pathogenic (6). 1 of the submissions does not count toward it. Last evaluated 2026-03-23.

Conditions:
Tyrosinase-positive oculocutaneous albinism (OCA2). Also called: Albinism, oculocutaneous, type II; Oculocutaneous albinism type 2; ALBINISM II. Identifiers: Orphanet 79432, MedGen C0268495, MONDO:0008746, OMIM 203200.
SKIN/HAIR/EYE PIGMENTATION 1, BLUE/NONBLUE EYES (SHEP1). Also called: EYE COLOR 3; EYE COLOR, BLUE/NONBLUE; EYE COLOR, BROWN/BLUE; HAIR COLOR 3; BROWN EYE COLOR 2; SKIN/HAIR/EYE PIGMENTATION 1, BLOND/BROWN HAIR. Identifiers: MedGen C1856895, OMIM 227220.
OCA2-related disorder. Also called: OCA2-related condition.

Allele frequency attached by ClinVar (database versions not stated): gnomAD exomes 0.00004; TOPMed 0.00005; ESP Exome Variant Server 0.00008; ExAC 0.00002; gnomAD 0.00003.
gnomAD v4.1: 55 of 1,613,924 alleles (0.0034%); highest among the groups gnomAD compares: Middle Eastern, 0.049%; no homozygotes.

Submissions (8):

Myriad Genetics, Inc.
Classification: Likely pathogenic for Tyrosinase-positive oculocutaneous albinism. Last evaluated: 2026-03-23. Review status: criteria provided, single submitter. Criteria: Myriad Autosomal Dominant, Autosomal Recessive and X-Linked Classification Criteria (2023). Collection method: clinical testing. Allele origin: unknown.
Comment: NM_000275.2(OCA2):c.2158C>T(R720C) is a missense variant classified as likely pathogenic in the context of oculocutaneous albinism, OCA2-related. R720C has been observed in cases with relevant disease (PMID: 29345414, 27734839, 34838614, Fawwad_2025_(Thesis), 10987646). Relevant functional assessments of this variant are not available in the literature. R720C has been observed in referenced population frequency databases. In summary, NM_000275.2(OCA2):c.2158C>T(R720C) is a missense variant that has been observed more frequently in cases with the relevant disease than in healthy populations. Please note: this variant was assessed in the context of healthy population screening.

Labcorp Genetics (formerly Invitae), Labcorp
Classification: Pathogenic. Last evaluated: 2025-11-17. Review status: criteria provided, single submitter. Criteria: Invitae Variant Classification Sherloc (09022015). Collection method: clinical testing. Allele origin: germline.
Comment: This sequence change replaces arginine, which is basic and polar, with cysteine, which is neutral and slightly polar, at codon 720 of the OCA2 protein (p.Arg720Cys). This variant is present in population databases (rs141545475, gnomAD 0.007%). This missense change has been observed in individual(s) with clinical features of oculocutaneous albinism (PMID: 27734839; internal data). In at least one individual the data is consistent with being in trans (on the opposite chromosome) from a pathogenic variant. ClinVar contains an entry for this variant (Variation ID: 2137627). Invitae Evidence Modeling of protein sequence and biophysical properties (such as structural, functional, and spatial information, amino acid conservation, physicochemical variation, residue mobility, and thermodynamic stability) indicates that this missense variant is expected to disrupt OCA2 protein function with a positive predictive value of 80%. For these reasons, this variant has been classified as Pathogenic.

Fulgent Genetics
Classification: Likely pathogenic for Tyrosinase-positive oculocutaneous albinism; SKIN/HAIR/EYE PIGMENTATION 1, BLUE/NONBLUE EYES. Last evaluated: 2024-06-10. Review status: criteria provided, single submitter. Criteria: ACMG Guidelines, 2015. Collection method: clinical testing. Allele origin: germline.

GeneDx
Classification: Likely pathogenic. Last evaluated: 2024-04-18. Review status: criteria provided, single submitter. Criteria: GeneDx Variant Classification Process June 2021. Collection method: clinical testing. Allele origin: germline. Affected: yes.
Comment: In silico analysis supports that this missense variant has a deleterious effect on protein structure/function; This variant is associated with the following publications: (PMID: 31233279, 34838614, 27734839, 10987646, 23824587)

Baylor Genetics
Classification: Likely pathogenic for SKIN/HAIR/EYE PIGMENTATION 1, BLUE/NONBLUE EYES. Last evaluated: 2024-02-06. Review status: criteria provided, single submitter. Criteria: ACMG Guidelines, 2015. Collection method: clinical testing. Allele origin: unknown.

Blueprint Genetics
Classification: Likely pathogenic for OCA2-related disorders. Last evaluated: 2023-07-26. Review status: criteria provided, single submitter. Criteria: ACMG Guidelines, 2015. Collection method: clinical testing. Allele origin: germline. Affected: yes. Observed: 2 variant alleles.

Juno Genomics, Hangzhou Juno Genomics, Inc
Classification: Likely pathogenic for Tyrosinase-positive oculocutaneous albinism. Review status: criteria provided, single submitter. Criteria: ACMG Guidelines, 2015. Collection method: clinical testing. Allele origin: germline.
Comment: Absent from controls (or at extremely low frequency if recessive) in Genome Aggregation Database.;Multiple lines of computational evidence support a deleterious effect on the gene or gene product.;For recessive disorders, detected in trans with a pathogenic variant.;Patient's phenotype or family history is highly specific for a disease with a single genetic etiology.

PreventionGenetics, part of Exact Sciences
Classification: Pathogenic for OCA2-related condition. Last evaluated: 2024-06-10. Review status: no assertion criteria provided. Collection method: clinical testing. Allele origin: germline. Not counted in ClinVar's aggregate classification.
Comment: The OCA2 c.2158C>T variant is predicted to result in the amino acid substitution p.Arg720Cys. This variant has been reported along with a second OCA2 variant in individuals with oculocutaneous albinism (Mauri et al. 2017. PubMed ID: 27734839; Table S1, Wei et al. 2022. PubMed ID: 34838614). This variant has also been reported in the heterozygous state in a family with susceptibility to cutaneous melanoma (Nathan et al. 2019. PubMed ID: 31233279). An alternate substitution of this amino acid residue (p.Arg720Pro) has been reported along with a second OCA2 variant in an individual with oculocutaneous albinism (Ma et al. 2021. PubMed ID: 34707637). This variant is reported in 0.0062% of alleles in individuals of African descent in gnomAD. Given the evidence, we interpret this variant as pathogenic.

Literature cited by the submitters: PubMed 27734839 (cited by Labcorp Genetics (formerly Invitae), Labcorp).